The following is an entry in ClinVar:

ClinVar aggregate classification (germline): Uncertain significance (1 of 4 stars; one submission).

Conditions:
Autosomal recessive distal spinal muscular atrophy 2. Also called: NEURONOPATHY, DISTAL HEREDITARY MOTOR, JERASH TYPE; NEUROPATHY, DISTAL HEREDITARY MOTOR, JERASH TYPE; NEUROPATHY, DISTAL HEREDITARY MOTOR, AUTOSOMAL RECESSIVE 2; Hereditary motor neuropathy, Jerash type; Motor neuropathy, distal, Jerash type; SPINAL MUSCULAR ATROPHY, JERASH TYPE. Identifiers: Orphanet 139552, MedGen C1854023, MONDO:0011585, OMIM 605726.
Amyotrophic lateral sclerosis type 16. Also called: AMYOTROPHIC LATERAL SCLEROSIS 16, JUVENILE. Identifiers: Orphanet 300605, MedGen C3280587, MONDO:0013715, OMIM 614373.

Allele frequency attached by ClinVar (database versions not stated): gnomAD exomes below 0.00001.
gnomAD v4.1: 2 of 1,589,066 alleles (0.00013%); highest among the groups gnomAD compares: Non-Finnish European, 0.00017%; no homozygotes.

Submission:

Labcorp Genetics (formerly Invitae), Labcorp
Classification: Uncertain significance for Autosomal recessive distal spinal muscular atrophy 2; Amyotrophic lateral sclerosis type 16. Last evaluated: 2019-03-13. Review status: criteria provided, single submitter. Criteria: Invitae Variant Classification Sherloc (09022015). Collection method: clinical testing. Allele origin: germline.
Comment: This variant is not present in population databases (ExAC no frequency). In summary, the available evidence is currently insufficient to determine the role of this variant in disease. Therefore, it has been classified as a Variant of Uncertain Significance. Algorithms developed to predict the effect of missense changes on protein structure and function are either unavailable or do not agree on the potential impact of this missense change (SIFT: "Tolerated"; PolyPhen-2: "Possibly Damaging"; Align-GVGD: "Class C0"). This variant has not been reported in the literature in individuals with SIGMAR1-related conditions. This sequence change replaces methionine with isoleucine at codon 93 of the SIGMAR1 protein (p.Met93Ile). The methionine residue is highly conserved and there is a small physicochemical difference between methionine and isoleucine.

NM_005866.4(SIGMAR1):c.279G>A (p.Met93Ile)

Gene: SIGMAR1 (sigma receptor chaperone 1; minus strand). Cytogenetic location: 9p13.3.
Variant type: single nucleotide variant.
Coding change: c.279G>A on transcript NM_005866.4 (MANE Select); coding-DNA position 279, G replaced by A.
Protein change: p.Met93Ile; replaces methionine 93 with isoleucine.
Molecular consequence: missense variant.
Genome position (GRCh38, 1-based): chr9:34,637,293, C>T on the plus strand (G>A on the coding strand, the complement: SIGMAR1 is on the minus strand). VCF-style: chr9-34637293-C-T. GRCh37 (hg19) VCF-style: chr9-34637290-C-T.
Other names: c.279G>A, p.Met93Ile (NM_001282205.2, NM_001282208.2, NM_001282209.2 and 1 more transcripts); c.26G>A, p.Cys9Tyr (NM_001282206.2); c.219G>A, p.Met73Ile (NM_001282207.2); short protein forms M93I, C9Y, M73I.
Identifiers: ClinVar variation 864564 (VCV000864564.10), dbSNP rs1820909011, ClinGen allele CA373274767.